The following is an entry in ClinVar:

NM_173598.6(KSR2):c.2195C>T (p.Pro732Leu)

Gene: KSR2 (kinase suppressor of ras 2; minus strand). Cytogenetic location: 12q24.22.
Variant type: single nucleotide variant.
Coding change: c.2195C>T on transcript NM_173598.6 (MANE Select); coding-DNA position 2195, C replaced by T.
Protein change: p.Pro732Leu; replaces proline 732 with leucine.
Molecular consequence: missense variant.
Genome position (GRCh38, 1-based): chr12:117,524,876, G>A on the plus strand (C>T on the coding strand, the complement: KSR2 is on the minus strand). VCF-style: chr12-117524876-G-A. GRCh37 (hg19) VCF-style: chr12-117962681-G-A.
Other names: short protein forms P732L.
Identifiers: ClinVar variation 5000322 (VCV005000322.1).

ClinVar aggregate classification (germline): Uncertain significance (1 of 4 stars; one submission).

Conditions:
KSR2-related disorder. Also called: KSR2-related condition.

gnomAD v4.1: 5 of 1,611,842 alleles (0.00031%); highest among the groups gnomAD compares: East Asian, 0.0022%; no homozygotes.

Submission:

PreventionGenetics, part of Exact Sciences
Classification: Uncertain significance for KSR2-related condition. Last evaluated: 2025-02-28. Review status: criteria provided, single submitter. Criteria: ACMG Guidelines, 2015. Collection method: clinical testing. Allele origin: germline.
Comment: The KSR2 c.2108C>T variant is predicted to result in the amino acid substitution p.Pro703Leu. To our knowledge, this variant has not been reported in the literature or in a large population database (gnomAD), indicating this variant is rare. At this time, the clinical significance of this variant is uncertain due to the absence of conclusive functional and genetic evidence.